The following is an entry in ClinVar:

NM_000257.4(MYH7):c.240C>T (p.Asn80=)

Gene: MYH7 (myosin heavy chain 7; minus strand). Cytogenetic location: 14q11.2.
Variant type: single nucleotide variant.
Coding change: c.240C>T on transcript NM_000257.4 (MANE Select); coding-DNA position 240, C replaced by T.
Protein change: p.Asn80=; no amino-acid change (asparagine 80 retained).
Molecular consequence: synonymous variant.
Genome position (GRCh38, 1-based): chr14:23,433,189, G>A on the plus strand (C>T on the coding strand, the complement: MYH7 is on the minus strand). VCF-style: chr14-23433189-G-A. GRCh37 (hg19) VCF-style: chr14-23902398-G-A.
Other names: p.N80N:AAC>AAT.
Identifiers: ClinVar variation 138387 (VCV000138387.53), dbSNP rs200493975, ClinGen allele CA012296.

ClinVar aggregate classification (germline): Conflicting classifications of pathogenicity. Review status: criteria provided, conflicting classifications (1 of 4 stars). 13 submissions from 11 submitters: Uncertain significance (2); Benign (3); Likely benign (8). Last evaluated 2026-06-01.

Conditions:
Myosin storage myopathy (CMYO7A). Also called: Scapuloperoneal myopathy, MYH7-related; MYOPATHY WITH LYSIS OF TYPE I MYOFIBRILS; MYH7-related late-onset scapuloperoneal muscular dystrophy; Congenital myopathy 7A, myosin storage, autosomal dominant; SCAPULOPERONEAL MUSCULAR DYSTROPHY; SCAPULOPERONEAL SYNDROME, MYOPATHIC TYPE. Identifiers: Orphanet 437572, Orphanet 636965, MedGen C1842160, MONDO:0008409, OMIM 608358.
Cardiovascular phenotype. Identifiers: MedGen CN230736.
Cardiomyopathy (CMYO). Also called: Cardiomyopathies. Identifiers: Orphanet 167848, MedGen C0878544, MONDO:0004994, HP:0001638. Inheritance: Various modes of inheritance.
Hypertrophic cardiomyopathy 1 (CMH1). Also called: Familial hypertrophic cardiomyopathy 1; MYH7-Related Familial Hypertrophic Cardiomyopathy. Identifiers: MedGen C3495498, MONDO:0008647, OMIM 192600.
MYH7-related skeletal myopathy. Also called: MYOPATHY, DISTAL, EARLY-ONSET, AUTOSOMAL DOMINANT; MYOPATHY, LATE DISTAL HEREDITARY; Laing early-onset distal myopathy; Laing distal myopathy; Myopathy, distal, 1. Identifiers: Orphanet 59135, MedGen C4552004, MONDO:0008050, OMIM 160500.
Hypertrophic cardiomyopathy. Also called: HYPERTROPHIC MYOCARDIOPATHY. Identifiers: Orphanet 217569, MedGen C0007194, MeSH D002312, MONDO:0005045, HP:0001639.

Allele frequency attached by ClinVar (database versions not stated): gnomAD exomes 0.00007 and 0.00017; gnomAD 0.00012; TOPMed 0.00012; ExAC 0.00013; ESP Exome Variant Server 0.00015.
gnomAD v4.1: 134 of 1,614,006 alleles (0.0083%); highest among the groups gnomAD compares: Admixed American, 0.0017%; no homozygotes.

Submissions (13):

CeGaT Center for Human Genetics Tuebingen
Classification: Likely benign. Last evaluated: 2026-06-01. Review status: criteria provided, single submitter. Criteria: CeGaT Center For Human Genetics Tuebingen Variant Classification Criteria Version 2. Collection method: clinical testing. Allele origin: germline. Affected: yes. Observed: 4 variant alleles.
Comment: MYH7: BP4, BP7

Labcorp Genetics (formerly Invitae), Labcorp
Classification: Likely benign for Hypertrophic cardiomyopathy. Last evaluated: 2026-01-18. Review status: criteria provided, single submitter. Criteria: Invitae Variant Classification Sherloc (09022015). Collection method: clinical testing. Allele origin: germline.

Blueprint Genetics
Classification: Likely benign. Last evaluated: 2024-10-25. Review status: criteria provided, single submitter. Criteria: ACMG Guidelines, 2015. Collection method: clinical testing. Allele origin: germline.

All of Us Research Program, National Institutes of Health
Classification: Likely benign for Cardiomyopathy. Last evaluated: 2024-02-05. Review status: criteria provided, single submitter. Criteria: ACMG Guidelines, 2015. Collection method: clinical testing. Allele origin: germline. Inheritance: Autosomal dominant inheritance. Observed: 40 variant alleles, 40 heterozygotes.
Comment: This study involves interpretation of variants in research participants for the purpose of population health screening. Participant phenotype was not available at the time of variant classification. Additional details can be found in publication PMID: 35346344, PMCID: PMC8962531

CHEO Genetics Diagnostic Laboratory, Children's Hospital of Eastern Ontario
Classification: Likely benign for Cardiomyopathy. Last evaluated: 2023-05-05. Review status: criteria provided, single submitter. Criteria: ACMG Guidelines, 2015. Collection method: clinical testing. Allele origin: germline. Study: Canadian Open Genetics Repository.

Athena Diagnostics
Classification: Benign. Last evaluated: 2019-10-29. Review status: criteria provided, single submitter. Criteria: Athena Diagnostics Criteria. Collection method: clinical testing. Allele origin: unknown.

Ambry Genetics
Classification: Likely benign for Cardiovascular phenotype. Last evaluated: 2019-08-12. Review status: criteria provided, single submitter. Criteria: Ambry Variant Classification Scheme 2023. Collection method: clinical testing. Allele origin: germline.

Color Diagnostics, LLC DBA Color Health
Classification: Likely benign for Cardiomyopathy. Last evaluated: 2018-07-10. Review status: criteria provided, single submitter. Criteria: ACMG Guidelines, 2015. Collection method: clinical testing. Allele origin: germline.

Illumina Laboratory Services, Illumina
Classification: Uncertain significance for Myosin storage myopathy. Last evaluated: 2018-01-13. Review status: criteria provided, single submitter. Criteria: ICSL Variant Classification Criteria 13 December 2019. Collection method: clinical testing. Allele origin: germline.

Illumina Laboratory Services, Illumina
Classification: Uncertain significance for Hypertrophic cardiomyopathy 1. Last evaluated: 2018-01-13. Review status: criteria provided, single submitter. Criteria: ICSL Variant Classification Criteria 13 December 2019. Collection method: clinical testing. Allele origin: germline.

Illumina Laboratory Services, Illumina
Classification: Benign for MYH7-related skeletal myopathy. Last evaluated: 2018-01-13. Review status: criteria provided, single submitter. Criteria: ICSL Variant Classification Criteria 13 December 2019. Collection method: clinical testing. Allele origin: germline.
Comment: This variant was observed in the ICSL laboratory as part of a predisposition screen in an ostensibly healthy population. It had not been previously curated by ICSL or reported in the Human Gene Mutation Database (HGMD: prior to June 1st, 2018), and was therefore a candidate for classification through an automated scoring system. Utilizing variant allele frequency, disease prevalence and penetrance estimates, and inheritance mode, an automated score was calculated to assess if this variant is too frequent to cause the disease. Based on the score and internal cut-off values, a variant classified as benign is not then subjected to further curation. The score for this variant resulted in a classification of benign for this disease.

GeneDx
Classification: Benign. Last evaluated: 2015-07-01. Review status: criteria provided, single submitter. Criteria: GeneDx Variant Classification (06012015). Collection method: clinical testing. Allele origin: germline. Affected: yes.
Comment: This variant is considered likely benign or benign based on one or more of the following criteria: it is a conservative change, it occurs at a poorly conserved position in the protein, it is predicted to be benign by multiple in silico algorithms, and/or has population frequency not consistent with disease.

Laboratory for Molecular Medicine, Mass General Brigham Personalized Medicine
Classification: Likely benign. Last evaluated: 2012-03-19. Review status: criteria provided, single submitter. Criteria: LMM Criteria. Collection method: clinical testing. Allele origin: germline. Observed: 1 variant allele.
Comment: Asn80Asn in exon 4 of MYH7: This variant is not expected to have clinical signif icance because it does not alter an amino acid residue and is not located within the splice consensus sequence. It has been identified in 1/7020 European Americ an chromosomes from a broad population by the NHLBI Exome Sequencing Project. Asn80Asn in exon 4 of MYH7 (allele frequency = 1/7020) **